The following is an entry in ClinVar:

ClinVar aggregate classification (germline): Likely benign (0 of 4 stars; one submission).

Conditions:
ADCY3-related disorder. Also called: ADCY3-related condition.

gnomAD v4.1: 10 of 1,613,642 alleles (0.00062%); highest among the groups gnomAD compares: Non-Finnish European, 0.00085%; no homozygotes.

Submission:

PreventionGenetics, part of Exact Sciences
Classification: Likely benign for ADCY3-related condition. Last evaluated: 2022-09-27. Review status: no assertion criteria provided. Collection method: clinical testing. Allele origin: germline.
Comment: This variant is classified as likely benign based on ACMG/AMP sequence variant interpretation guidelines (Richards et al. 2015 PMID: 25741868, with internal and published modifications).

NM_004036.5(ADCY3):c.2578-10G>T

Gene: ADCY3 (adenylate cyclase 3; minus strand). Cytogenetic location: 2p23.3.
Variant type: single nucleotide variant.
Coding change: c.2578-10G>T on transcript NM_004036.5 (MANE Select); 10 bases into the intron before coding-DNA position 2578, G replaced by T.
Molecular consequence: intron variant.
Genome position (GRCh38, 1-based): chr2:24,824,546, C>A on the plus strand (G>T on the coding strand, the complement: ADCY3 is on the minus strand). VCF-style: chr2-24824546-C-A. GRCh37 (hg19) VCF-style: chr2-25047415-C-A.
Other names: c.2173-10G>T (NM_001377130.1); c.2440-10G>T (NM_001377129.1); c.2581-10G>T (NM_001320613.2); c.2644-10G>T (NM_001377128.1); c.2578-10G>T (NM_001377132.1); c.1855-10G>T (NM_001377131.1).
Identifiers: ClinVar variation 3355427 (VCV003355427.1).
Genomic context (GRCh38, chr2:24,824,546, plus strand): 5'-GTCGTGGACCTCAATCTTCCACAAGAAAAGTGTCCGTGCCAGTTTTTCTACCTACAGACA[C>A]AGACAAGGCGAGGCATGTGCTCTAAGCTGGCCACTGGATAGAAGGATGAAAAACAGGAAT-3'